The following is an entry in ClinVar:

ClinVar aggregate classification (germline): Pathogenic (1 of 4 stars; one submission).

Submission:

Quest Diagnostics Nichols Institute San Juan Capistrano
Classification: Pathogenic. Last evaluated: 2021-06-11. Review status: criteria provided, single submitter. Criteria: Quest Diagnostics criteria. Collection method: clinical testing. Allele origin: unknown.
Comment: The variant results in the deletion of at least one complete exon, and is therefore predicted to result in the loss of a functional protein. A similar deletion of exons 8-9 in the BRCA1 gene has been reported in individuals with breast cancer in the published literature (PMIDs: 18703817 (2008), 16551709 (2006), and 10862036 (2000)). Based on the available information, this variant is classified as pathogenic.

Literature cited by the submitters: PubMed 18703817; PubMed 16551709; PubMed 10862036.

NM_007294.3:c.442_593del

Gene: BRCA1 (BRCA1 DNA repair associated; minus strand).
Variant type: Deletion.
Identifiers: ClinVar variation 1809529 (VCV001809529.1).